The following is an entry in ClinVar:

ClinVar aggregate classification (germline): Likely benign (0 of 4 stars; one submission).

Conditions:
NPHP4-related disorder. Also called: NPHP4-related disorders; NPHP4-related condition. Identifiers: MedGen CN239384.

gnomAD v4.1: 1 of 1,613,190 alleles (0.000062%); highest among the groups gnomAD compares: Non-Finnish European, 0.000085%; no homozygotes.

Submission:

PreventionGenetics, part of Exact Sciences
Classification: Likely benign for NPHP4-related condition. Last evaluated: 2022-03-10. Review status: no assertion criteria provided. Collection method: clinical testing. Allele origin: germline.
Comment: This variant is classified as likely benign based on ACMG/AMP sequence variant interpretation guidelines (Richards et al. 2015 PMID: 25741868, with internal and published modifications).

NM_015102.5(NPHP4):c.3747C>T (p.Ser1249=)

Gene: NPHP4 (nephrocystin 4; minus strand). Cytogenetic location: 1p36.31.
Variant type: single nucleotide variant.
Coding change: c.3747C>T on transcript NM_015102.5 (MANE Select); coding-DNA position 3747, C replaced by T.
Protein change: p.Ser1249=; no amino-acid change (serine 1249 retained).
Molecular consequence: synonymous variant. On other transcripts: non-coding transcript variant (1).
Genome position (GRCh38, 1-based): chr1:5,865,171, G>A on the plus strand (C>T on the coding strand, the complement: NPHP4 is on the minus strand). VCF-style: chr1-5865171-G-A. GRCh37 (hg19) VCF-style: chr1-5925231-G-A.
Other names: c.2208C>T, p.Ser736= (NM_001291593.2); c.2211C>T, p.Ser737= (NM_001291594.2).
Identifiers: ClinVar variation 3048681 (VCV003048681.2), dbSNP rs750778789, ClinGen allele CA415787460.